The following is an entry in ClinVar:

NM_001371727.1(GABRB2):c.304C>T (p.Pro102Ser)

Gene: GABRB2 (gamma-aminobutyric acid type A receptor subunit beta2; minus strand). Cytogenetic location: 5q34.
Variant type: single nucleotide variant.
Coding change: c.304C>T on transcript NM_001371727.1 (MANE Select); coding-DNA position 304, C replaced by T.
Protein change: p.Pro102Ser; replaces proline 102 with serine.
Molecular consequence: missense variant.
Genome position (GRCh38, 1-based): chr5:161,459,778, G>A on the plus strand (C>T on the coding strand, the complement: GABRB2 is on the minus strand). VCF-style: chr5-161459778-G-A. GRCh37 (hg19) VCF-style: chr5-160886784-G-A.
Other names: c.304C>T, p.Pro102Ser (NM_000813.3, NM_021911.3); short protein forms P102S.
Identifiers: ClinVar variation 1997595 (VCV001997595.5), dbSNP rs2480000137, ClinGen allele CA362174035.

ClinVar aggregate classification (germline): Uncertain significance. Review status: criteria provided, multiple submitters, no conflicts (2 of 4 stars). 2 submissions from 2 submitters: Uncertain significance (2). Last evaluated 2024-11-24.

Conditions:
Intellectual disability. Also called: Intellectual functioning disability; intellectual disabilities; Intellectual developmental disorder. Identifiers: MedGen C3714756, MeSH D008607, MONDO:0001071, HP:0001249.

Submissions (2):

Labcorp Genetics (formerly Invitae), Labcorp
Classification: Uncertain significance for Intellectual disability. Last evaluated: 2024-11-24. Review status: criteria provided, single submitter. Criteria: Invitae Variant Classification Sherloc (09022015). Collection method: clinical testing. Allele origin: germline.
Comment: This sequence change replaces proline, which is neutral and non-polar, with serine, which is neutral and polar, at codon 102 of the GABRB2 protein (p.Pro102Ser). This variant is not present in population databases (gnomAD no frequency). This variant has not been reported in the literature in individuals affected with GABRB2-related conditions. ClinVar contains an entry for this variant (Variation ID: 1997595). Invitae Evidence Modeling of protein sequence and biophysical properties (such as structural, functional, and spatial information, amino acid conservation, physicochemical variation, residue mobility, and thermodynamic stability) indicates that this missense variant is not expected to disrupt GABRB2 protein function with a negative predictive value of 95%. In summary, the available evidence is currently insufficient to determine the role of this variant in disease. Therefore, it has been classified as a Variant of Uncertain Significance.

Blueprint Genetics
Classification: Uncertain significance. Last evaluated: 2024-06-13. Review status: criteria provided, single submitter. Criteria: ACMG Guidelines, 2015. Collection method: clinical testing. Allele origin: germline.